The following is an entry in ClinVar:

ClinVar aggregate classification (germline): Uncertain significance (1 of 4 stars; one submission).

Allele frequency attached by ClinVar (database versions not stated): gnomAD exomes below 0.00001; TOPMed below 0.00001.
gnomAD v4.1: 3 of 1,612,276 alleles (0.00019%); highest among the groups gnomAD compares: African/African-American, 0.0013%; no homozygotes.

Submission:

Labcorp Genetics (formerly Invitae), Labcorp
Classification: Uncertain significance. Last evaluated: 2022-02-20. Review status: criteria provided, single submitter. Criteria: Invitae Variant Classification Sherloc (09022015). Collection method: clinical testing. Allele origin: germline.
Comment: This sequence change creates a premature translational stop signal (p.Arg235*) in the NEK2 gene. It is expected to result in an absent or disrupted protein product. However, the current clinical and genetic evidence is not sufficient to establish whether loss-of-function variants in NEK2 cause disease. This variant is not present in population databases (gnomAD no frequency). This variant has not been reported in the literature in individuals affected with NEK2-related conditions. Algorithms developed to predict the effect of sequence changes on RNA splicing suggest that this variant may disrupt the consensus splice site. In summary, the available evidence is currently insufficient to determine the role of this variant in disease. Therefore, it has been classified as a Variant of Uncertain Significance.

NM_002497.4(NEK2):c.703C>T (p.Arg235Ter)

Gene: NEK2 (NIMA related kinase 2; minus strand). Cytogenetic location: 1q32.3.
Variant type: single nucleotide variant.
Coding change: c.703C>T on transcript NM_002497.4 (MANE Select); coding-DNA position 703, C replaced by T.
Protein change: p.Arg235Ter; replaces arginine 235 with a stop codon.
Molecular consequence: nonsense.
Genome position (GRCh38, 1-based): chr1:211,670,343, G>A on the plus strand (C>T on the coding strand, the complement: NEK2 is on the minus strand). VCF-style: chr1-211670343-G-A. GRCh37 (hg19) VCF-style: chr1-211843685-G-A.
Other names: c.703C>T, p.Arg235Ter (NM_001204182.2, NM_001204183.2); short protein forms R235*.
Identifiers: ClinVar variation 2100351 (VCV002100351.3), dbSNP rs1655333460, ClinGen allele CA344779825.